The following is an entry in ClinVar:

ClinVar aggregate classification (germline): Uncertain significance (1 of 4 stars; one submission).

Conditions:
Inosine triphosphatase deficiency. Also called: INOSINE TRIPHOSPHATE PYROPHOSPHOHYDROLASE DEFICIENCY. Identifiers: MedGen C0342800, MONDO:0013461, OMIM 613850.

Allele frequency attached by ClinVar (database versions not stated): TOPMed below 0.00001; gnomAD 0.00001.
gnomAD v4.1: 1 of 1,604,048 alleles (0.000062%); highest among the groups gnomAD compares: African/African-American, 0.0013%; no homozygotes.

Submission:

Labcorp Genetics (formerly Invitae), Labcorp
Classification: Uncertain significance for Inosine triphosphatase deficiency. Last evaluated: 2021-07-22. Review status: criteria provided, single submitter. Criteria: Invitae Variant Classification Sherloc (09022015). Collection method: clinical testing. Allele origin: germline.
Comment: In summary, the available evidence is currently insufficient to determine the role of this variant in disease. Therefore, it has been classified as a Variant of Uncertain Significance. Nucleotide substitutions within the consensus splice site are a relatively common cause of aberrant splicing (PMID: 17576681, 9536098). Algorithms developed to predict the effect of sequence changes on RNA splicing suggest that this variant may disrupt the consensus splice site, but this prediction has not been confirmed by published transcriptional studies. This variant has not been reported in the literature in individuals with ITPA-related conditions. This variant is not present in population databases (ExAC no frequency). This sequence change falls in intron 6 of the ITPA gene. It does not directly change the encoded amino acid sequence of the ITPA protein, but it affects a nucleotide within the consensus splice site of the intron.

Literature cited by the submitters: PubMed 17576681; PubMed 9536098.

NM_033453.4(ITPA):c.411+5G>C

Genes: ITPA (inosine triphosphatase; plus strand), LOC130065322 (ATAC-STARR-seq lymphoblastoid silent region 12615; plus strand). Cytogenetic location: 20p13.
Variant type: single nucleotide variant.
Coding change: c.411+5G>C on transcript NM_033453.4 (MANE Select); 5 bases into the intron after coding-DNA position 411, G replaced by C.
Molecular consequence: intron variant.
Genome position (GRCh38, 1-based): chr20:3,218,637, G>C. VCF-style: chr20-3218637-G-C. GRCh37 (hg19) VCF-style: chr20-3199283-G-C.
Other names: c.74+5G>C (NM_001324237.2, NM_001324238.2, NM_001324236.2 and 1 more transcripts); c.411+5G>C (NM_001324240.2); c.288+5G>C (NM_001267623.2); c.360+5G>C (NM_181493.4).
Identifiers: ClinVar variation 646756 (VCV000646756.7), dbSNP rs1299283367, ClinGen allele CA915953042.
Genomic context (GRCh38, chr20:3,218,637, plus strand): 5'-CACTCAGCACCGGGGACCCAAGCCAGCCCGTGCGCCTGTTCAGGGGCCGGACCTCGGTGC[G>C]TACCCACCTTGATGCAGTTCCCGCCGCGCGCCGCCAGGGGGTGCCGCGACCCGAGCCGAC-3'